The following is an entry in ClinVar:

NM_001013703.4(EIF2AK4):c.3406C>T (p.Arg1136Ter)

Gene: EIF2AK4 (eukaryotic translation initiation factor 2 alpha kinase 4; plus strand). Cytogenetic location: 15q15.1.
Variant type: single nucleotide variant.
Coding change: c.3406C>T on transcript NM_001013703.4 (MANE Select); coding-DNA position 3406, C replaced by T.
Protein change: p.Arg1136Ter; replaces arginine 1136 with a stop codon.
Molecular consequence: nonsense.
Genome position (GRCh38, 1-based): chr15:40,007,064, C>T. VCF-style: chr15-40007064-C-T. GRCh37 (hg19) VCF-style: chr15-40299265-C-T.
Other names: short protein forms R1136*.
Identifiers: ClinVar variation 97067 (VCV000097067.6), dbSNP rs587777105, ClinGen allele CA149755.
Genomic context (GRCh38, chr15:40,007,064, plus strand): 5'-TTTATTTTTCAGATCCCTTTTGCAAGATATGTGGCAAGAAATAATATATTGAATTTAAAA[C>T]GGTAAGAAACAATAGGAGATTCCATTTGGTAGACATAGGAAAATAGTTGAATAATTTGTC-3'

ClinVar aggregate classification (germline): Pathogenic. Review status: criteria provided, single submitter (1 of 4 stars). 2 submissions from 2 submitters: Pathogenic (1). 1 of the submissions does not count toward it. Last evaluated 2021-09-29.

Conditions:
Familial pulmonary capillary hemangiomatosis (PVOD2). Also called: Pulmonary venoocclusive disease 2, autosomal recessive; Pulmonary venoocclusive disease 2. Identifiers: Orphanet 199241, MedGen C0340848, MONDO:0009329, OMIM 234810.

Allele frequency attached by ClinVar (database versions not stated): gnomAD exomes below 0.00001 and 0.00001; TOPMed 0.00002; gnomAD 0.00003.
gnomAD v4.1: 25 of 1,589,426 alleles (0.0016%); highest among the groups gnomAD compares: East Asian, 0.0022%; no homozygotes.

Submissions (2):

Labcorp Genetics (formerly Invitae), Labcorp
Classification: Pathogenic. Last evaluated: 2021-09-29. Review status: criteria provided, single submitter. Criteria: Invitae Variant Classification Sherloc (09022015). Collection method: clinical testing. Allele origin: germline.
Comment: For these reasons, this variant has been classified as Pathogenic. ClinVar contains an entry for this variant (Variation ID: 97067). This premature translational stop signal has been observed in individual(s) with pulmonary veno-occlusive disease (PMID: 24292273). This variant is not present in population databases (ExAC no frequency). This sequence change creates a premature translational stop signal (p.Arg1136*) in the EIF2AK4 gene. It is expected to result in an absent or disrupted protein product. Loss-of-function variants in EIF2AK4 are known to be pathogenic (PMID: 12215525, 24135949, 24292273, 24310610, 28972005, 29743074).

OMIM
Classification: Pathogenic for PULMONARY VENOOCCLUSIVE DISEASE 2. Last evaluated: 2014-01-01. Review status: no assertion criteria provided. Collection method: literature only. Allele origin: germline. Not counted in ClinVar's aggregate classification.

Literature cited by the submitters: PubMed 24292273 (cited by Labcorp Genetics (formerly Invitae), Labcorp and OMIM); PubMed 12215525 (cited by Labcorp Genetics (formerly Invitae), Labcorp); PubMed 24135949 (cited by Labcorp Genetics (formerly Invitae), Labcorp); PubMed 24310610 (cited by Labcorp Genetics (formerly Invitae), Labcorp); PubMed 28972005 (cited by Labcorp Genetics (formerly Invitae), Labcorp); PubMed 29743074 (cited by Labcorp Genetics (formerly Invitae), Labcorp).